The following is an entry in ClinVar:

NM_003019.5(SFTPD):c.199+9G>A

Gene: SFTPD (surfactant protein D; minus strand). Cytogenetic location: 10q22.3.
Variant type: single nucleotide variant.
Coding change: c.199+9G>A on transcript NM_003019.5 (MANE Select); 9 bases into the intron after coding-DNA position 199, G replaced by A.
Molecular consequence: intron variant.
Genome position (GRCh38, 1-based): chr10:79,946,452, C>T on the plus strand (G>A on the coding strand, the complement: SFTPD is on the minus strand). VCF-style: chr10-79946452-C-T. GRCh37 (hg19) VCF-style: chr10-81706208-C-T.
Identifiers: ClinVar variation 227074 (VCV000227074.16), dbSNP rs6413522, ClinGen allele CA5575256.
Genomic context (GRCh38, chr10:79,946,452, plus strand): 5'-GTTGCTGGGCTAGTTACAGTTCCAATGACCATTCCTCCCCAGCAGGATAAGCCCAGGGCC[C>T]CACCCTACCTGGGTCCCCCTTCTCGCCCCGAGGGCCCTCTCTCCCATCCCGTCCATCGCG-3'

ClinVar aggregate classification (germline): Benign. Review status: criteria provided, multiple submitters, no conflicts (2 of 4 stars). 5 submissions from 5 submitters: Benign (4). 1 of the submissions does not count toward it. Last evaluated 2017-10-05.

Conditions:
SFTPD-related disorder. Also called: SFTPD-related condition.

Allele frequency attached by ClinVar (database versions not stated): 1000 Genomes Project 0.00200; 1000 Genomes Project 30x 0.00203; TOPMed 0.00225; ESP Exome Variant Server 0.00261.
gnomAD v4.1: 4,842 of 1,609,382 alleles (0.3%); highest among the groups gnomAD compares: South Asian, 1.1%; 21 homozygotes.

Submissions (7):

Labcorp Genetics (formerly Invitae), Labcorp
Classification: Benign. Last evaluated: 2017-10-05. Review status: criteria provided, single submitter. Criteria: Invitae Variant Classification Sherloc (09022015). Collection method: clinical testing. Allele origin: germline.

Eurofins Ntd Llc (ga)
Classification: Benign. Last evaluated: 2015-09-18. Review status: criteria provided, single submitter. Criteria: EGL Classification Definitions 2015. Collection method: clinical testing. Allele origin: germline. Observed: 1 variant allele, 1 heterozygote.

Laboratory for Molecular Medicine, Mass General Brigham Personalized Medicine
Classification: Benign. Last evaluated: 2013-02-21. Review status: criteria provided, single submitter. Criteria: LMM Criteria. Collection method: clinical testing. Allele origin: germline. Observed: 1 variant allele.
Comment: 199+9G>A in intron 2 of SFTPD: This variant is not expected to have clinical sig nificance because it is not located within the conserved splice consensus sequen ce. It has been identified in 0.4% (32/8600) of European American chromosomes fr om a broad population by the NHLBI Exome Sequencing Project (dbSNP rs6413522).

Breakthrough Genomics
Classification: Benign. Review status: criteria provided, single submitter. Criteria: ACMG Guidelines, 2015. Collection method: not provided. Allele origin: germline. Inheritance: Unknown mechanism. Affected: yes.

PreventionGenetics, part of Exact Sciences
Classification: Likely benign for SFTPD-related condition. Last evaluated: 2019-03-05. Review status: no assertion criteria provided. Collection method: clinical testing. Allele origin: germline. Not counted in ClinVar's aggregate classification.
Comment: This variant is classified as likely benign based on ACMG/AMP sequence variant interpretation guidelines (Richards et al. 2015 PMID: 25741868, with internal and published modifications).

Dr. Peter K. Rogan Lab, Western University
No classification provided (evidence only). Condition: Lung cancer. Review status: no classification provided. Collection method: in vitro. Allele origin: not applicable. Functional consequence: retained intron. Not counted in ClinVar's aggregate classification.

Dr. Peter K. Rogan Lab, Western University
No classification provided (evidence only). Condition: Ovarian serous cystadenocarcinoma. Review status: no classification provided. Collection method: in vitro. Allele origin: not applicable. Functional consequence: retained intron. Not counted in ClinVar's aggregate classification.